The following is an entry in ClinVar:

ClinVar aggregate classification (germline): Uncertain significance (1 of 4 stars; one submission).

Submission:

Labcorp Genetics (formerly Invitae), Labcorp
Classification: Uncertain significance. Last evaluated: 2024-10-28. Review status: criteria provided, single submitter. Criteria: Invitae Variant Classification Sherloc (09022015). Collection method: clinical testing. Allele origin: germline.
Comment: This sequence change replaces arginine, which is basic and polar, with leucine, which is neutral and non-polar, at codon 217 of the KSR2 protein (p.Arg217Leu). This variant is not present in population databases (gnomAD no frequency). This variant has not been reported in the literature in individuals affected with KSR2-related conditions. An algorithm developed to predict the effect of missense changes on protein structure and function (PolyPhen-2) suggests that this variant is likely to be disruptive. In summary, the available evidence is currently insufficient to determine the role of this variant in disease. Therefore, it has been classified as a Variant of Uncertain Significance.

NM_173598.6(KSR2):c.737G>T (p.Arg246Leu)

Gene: KSR2 (kinase suppressor of ras 2; minus strand). Cytogenetic location: 12q24.23.
Variant type: single nucleotide variant.
Coding change: c.737G>T on transcript NM_173598.6 (MANE Select); coding-DNA position 737, G replaced by T.
Protein change: p.Arg246Leu; replaces arginine 246 with leucine.
Molecular consequence: missense variant.
Genome position (GRCh38, 1-based): chr12:117,761,260, C>A on the plus strand (G>T on the coding strand, the complement: KSR2 is on the minus strand). VCF-style: chr12-117761260-C-A. GRCh37 (hg19) VCF-style: chr12-118199065-C-A.
Other names: short protein forms R246L.
Identifiers: ClinVar variation 3696070 (VCV003696070.2).